The following is an entry in ClinVar:

NM_001875.5(CPS1):c.1981+116T>C

Gene: CPS1 (carbamoyl-phosphate synthase 1; plus strand). Cytogenetic location: 2q34.
Variant type: single nucleotide variant.
Coding change: c.1981+116T>C on transcript NM_001875.5 (MANE Select); 116 bases into the intron after coding-DNA position 1981, T replaced by C.
Molecular consequence: intron variant.
Genome position (GRCh38, 1-based): chr2:210,605,362, T>C. VCF-style: chr2-210605362-T-C. GRCh37 (hg19) VCF-style: chr2-211470086-T-C.
Other names: c.1981+116T>C (NM_001369257.1, NM_001122633.3); c.2014+116T>C (NM_001369256.1).
Identifiers: ClinVar variation 676202 (VCV000676202.2), dbSNP rs2277909, ClinGen allele CA64759840.
Genomic context (GRCh38, chr2:210,605,362, plus strand): 5'-GCCAAGGCAGTCTTTATAAAGTTGTTGCCTTTAAATTACTATTTCTAGTTGACAGACTAG[T>C]GATAACATTTTGGACAAGCATAGTATTTTACAGTATTGAAAATGTTCTCACATTTAATTT-3'

ClinVar aggregate classification (germline): Benign. Review status: criteria provided, multiple submitters, no conflicts (2 of 4 stars). 2 submissions from 2 submitters: Benign (2). Last evaluated 2018-06-19.

Allele frequency attached by ClinVar (database versions not stated): gnomAD exomes 0.10157; gnomAD 0.12543 and 0.12677; TOPMed 0.13167; 1000 Genomes Project 30x 0.16943; 1000 Genomes Project 0.17292.

Submissions (2):

GeneDx
Classification: Benign. Last evaluated: 2018-06-19. Review status: criteria provided, single submitter. Criteria: GeneDx Variant Classification (06012015). Collection method: clinical testing. Allele origin: germline. Affected: yes.
Comment: This variant is considered likely benign or benign based on one or more of the following criteria: it is a conservative change, it occurs at a poorly conserved position in the protein, it is predicted to be benign by multiple in silico algorithms, and/or has population frequency not consistent with disease.

Breakthrough Genomics
Classification: Benign. Review status: criteria provided, single submitter. Criteria: ACMG Guidelines, 2015. Collection method: not provided. Allele origin: germline. Inheritance: Autosomal recessive inheritance. Affected: yes.